The following is an entry in ClinVar:

ClinVar aggregate classification (germline): Uncertain significance (1 of 4 stars; one submission).

Conditions:
Hyperkalemic periodic paralysis. Also called: Familial hyperkalemic periodic paralysis; Gamstorp disease. Identifiers: Orphanet 682, MedGen C0238357, MONDO:0008224, OMIM 170500, HP:0007215.

Allele frequency attached by ClinVar (database versions not stated): ExAC 0.00002.

Submission:

Labcorp Genetics (formerly Invitae), Labcorp
Classification: Uncertain significance for Hyperkalemic periodic paralysis. Last evaluated: 2022-02-22. Review status: criteria provided, single submitter. Criteria: Invitae Variant Classification Sherloc (09022015). Collection method: clinical testing. Allele origin: germline.
Comment: This sequence change replaces methionine, which is neutral and non-polar, with arginine, which is basic and polar, at codon 202 of the SCN4A protein (p.Met202Arg). This variant is present in population databases (rs777326524, gnomAD 0.008%). This variant has not been reported in the literature in individuals affected with SCN4A-related conditions. Algorithms developed to predict the effect of missense changes on protein structure and function (SIFT, PolyPhen-2, Align-GVGD) all suggest that this variant is likely to be tolerated. In summary, the available evidence is currently insufficient to determine the role of this variant in disease. Therefore, it has been classified as a Variant of Uncertain Significance.

NM_000334.4(SCN4A):c.605T>G (p.Met202Arg)

Gene: SCN4A (sodium voltage-gated channel alpha subunit 4; minus strand). Cytogenetic location: 17q23.3.
Variant type: single nucleotide variant.
Coding change: c.605T>G on transcript NM_000334.4 (MANE Select); coding-DNA position 605, T replaced by G.
Protein change: p.Met202Arg; replaces methionine 202 with arginine.
Molecular consequence: missense variant.
Genome position (GRCh38, 1-based): chr17:63,971,728, A>C on the plus strand (T>G on the coding strand, the complement: SCN4A is on the minus strand). VCF-style: chr17-63971728-A-C. GRCh37 (hg19) VCF-style: chr17-62049088-A-C.
Other names: short protein forms M202R.
Identifiers: ClinVar variation 2094984 (VCV002094984.4), dbSNP rs777326524, ClinGen allele CA8710106.